The following is an entry in ClinVar:

ClinVar aggregate classification (germline): Uncertain significance (1 of 4 stars; one submission).

Allele frequency attached by ClinVar (database versions not stated): gnomAD exomes below 0.00001.
gnomAD v4.1: 1 of 1,614,006 alleles (0.000062%); highest among the groups gnomAD compares: South Asian, 0.0011%; no homozygotes.

Submission:

Labcorp Genetics (formerly Invitae), Labcorp
Classification: Uncertain significance. Last evaluated: 2023-08-04. Review status: criteria provided, single submitter. Criteria: Invitae Variant Classification Sherloc (09022015). Collection method: clinical testing. Allele origin: germline.
Comment: This variant has not been reported in the literature in individuals affected with FN1-related conditions. This variant is not present in population databases (gnomAD no frequency). This sequence change replaces glycine, which is neutral and non-polar, with arginine, which is basic and polar, at codon 1872 of the FN1 protein (p.Gly1872Arg). ClinVar contains an entry for this variant (Variation ID: 1973650). In summary, the available evidence is currently insufficient to determine the role of this variant in disease. Therefore, it has been classified as a Variant of Uncertain Significance. An algorithm developed to predict the effect of missense changes on protein structure and function (PolyPhen-2) suggests that this variant is likely to be disruptive.

NM_212482.4(FN1):c.5614G>C (p.Gly1872Arg)

Gene: FN1 (fibronectin 1; minus strand). Cytogenetic location: 2q35.
Variant type: single nucleotide variant.
Coding change: c.5614G>C on transcript NM_212482.4 (MANE Select); coding-DNA position 5614, G replaced by C.
Protein change: p.Gly1872Arg; replaces glycine 1872 with arginine.
Molecular consequence: missense variant.
Genome position (GRCh38, 1-based): chr2:215,379,138, C>G on the plus strand (G>C on the coding strand, the complement: FN1 is on the minus strand). VCF-style: chr2-215379138-C-G. GRCh37 (hg19) VCF-style: chr2-216243861-C-G.
Other names: c.5614G>C, p.Gly1872Arg (NM_001306129.2); c.5344G>C, p.Gly1782Arg (NM_001306130.2, NM_001365517.2, NM_001365519.2 and 2 more transcripts); c.5071G>C, p.Gly1691Arg (NM_001306131.2, NM_001306132.2, NM_001365523.2 and 2 more transcripts); c.5341G>C, p.Gly1781Arg (NM_001365518.2, NM_001365520.2, NM_001365524.2 and 2 more transcripts); short protein forms G1691R, G1782R, G1872R, G1781R.
Identifiers: ClinVar variation 1973650 (VCV001973650.5), dbSNP rs2469482105, ClinGen allele CA350472494.